The following is an entry in ClinVar:

ClinVar aggregate classification (germline): Uncertain significance (1 of 4 stars; one submission).

Conditions:
Familial thoracic aortic aneurysm and aortic dissection (TAAD). Also called: Thoracic aortic aneurysms and dissections. Identifiers: Orphanet 91387, MedGen C4707243, MONDO:0019625.

Submission:

Labcorp Genetics (formerly Invitae), Labcorp
Classification: Uncertain significance for Familial thoracic aortic aneurysm and aortic dissection. Last evaluated: 2025-05-13. Review status: criteria provided, single submitter. Criteria: Invitae Variant Classification Sherloc (09022015). Collection method: clinical testing. Allele origin: germline.
Comment: This sequence change replaces leucine, which is neutral and non-polar, with phenylalanine, which is neutral and non-polar, at codon 352 of the TGFBR1 protein (p.Leu352Phe). This variant is not present in population databases (gnomAD no frequency). This missense change has been observed in individual(s) with thoracic aortic aneurysm and dissection (internal data). Invitae Evidence Modeling of protein sequence and biophysical properties (such as structural, functional, and spatial information, amino acid conservation, physicochemical variation, residue mobility, and thermodynamic stability) indicates that this missense variant is not expected to disrupt TGFBR1 protein function with a negative predictive value of 80%. In summary, the available evidence is currently insufficient to determine the role of this variant in disease. Therefore, it has been classified as a Variant of Uncertain Significance.

NM_004612.4(TGFBR1):c.1056A>C (p.Leu352Phe)

Gene: TGFBR1 (transforming growth factor beta receptor 1; plus strand). Cytogenetic location: 9q22.33.
Variant type: single nucleotide variant.
Coding change: c.1056A>C on transcript NM_004612.4 (MANE Select); coding-DNA position 1056, A replaced by C.
Protein change: p.Leu352Phe; replaces leucine 352 with phenylalanine.
Molecular consequence: missense variant. On other transcripts: non-coding transcript variant (4).
Genome position (GRCh38, 1-based): chr9:99,144,814, A>C. VCF-style: chr9-99144814-A-C. GRCh37 (hg19) VCF-style: chr9-101907096-A-C.
Other names: c.810A>C, p.Leu270Phe (NM_001407436.1); c.348A>C, p.Leu116Phe (NM_001407437.1); c.579A>C, p.Leu193Phe (NM_001407438.1); c.825A>C, p.Leu275Phe (NM_001130916.3, NM_001407435.1); c.1068A>C, p.Leu356Phe (NM_001306210.2); c.900A>C, p.Leu300Phe (NM_001407416.1); c.888A>C, p.Leu296Phe (NM_001407417.1); c.861A>C, p.Leu287Phe (NM_001407418.1, NM_001407419.1, NM_001407420.1 and 1 more transcripts); and 1 more; short protein forms L283F, L287F, L300F, L352F, L116F, L270F, L275F, L193F.
Identifiers: ClinVar variation 4738117 (VCV004738117.1).